The following is an entry in ClinVar:

ClinVar aggregate classification (germline): Likely benign. Review status: criteria provided, single submitter (1 of 4 stars). 2 submissions from 2 submitters: Likely benign (1). 1 of the submissions does not count toward it. Last evaluated 2022-03-01.

Conditions:
HSPG2-related disorder. Also called: HSPG2-related condition; HSPG2-related disorders.

Allele frequency attached by ClinVar (database versions not stated): gnomAD 0.00001; TOPMed 0.00003; gnomAD exomes 0.00004 and 0.00005; ExAC 0.00005; ESP Exome Variant Server 0.00008.
gnomAD v4.1: 69 of 1,610,742 alleles (0.0043%); highest among the groups gnomAD compares: Admixed American, 0.015%; no homozygotes.

Submissions (2):

ARUP Laboratories, Molecular Genetics and Genomics, ARUP Laboratories
Classification: Likely benign. Last evaluated: 2022-03-01. Review status: criteria provided, single submitter. Criteria: ARUP Molecular Germline Variant Investigation Process 2021. Collection method: clinical testing. Allele origin: germline.

PreventionGenetics, part of Exact Sciences
Classification: Likely benign for HSPG2-related condition. Last evaluated: 2019-03-06. Review status: no assertion criteria provided. Collection method: clinical testing. Allele origin: germline. Not counted in ClinVar's aggregate classification.
Comment: This variant is classified as likely benign based on ACMG/AMP sequence variant interpretation guidelines (Richards et al. 2015 PMID: 25741868, with internal and published modifications).

NM_005529.7(HSPG2):c.1654+10C>T

Gene: HSPG2 (heparan sulfate proteoglycan 2; minus strand). Cytogenetic location: 1p36.12.
Variant type: single nucleotide variant.
Coding change: c.1654+10C>T on transcript NM_005529.7 (MANE Select); 10 bases into the intron after coding-DNA position 1654, C replaced by T.
Molecular consequence: intron variant.
Genome position (GRCh38, 1-based): chr1:21,884,518, G>A on the plus strand (C>T on the coding strand, the complement: HSPG2 is on the minus strand). VCF-style: chr1-21884518-G-A. GRCh37 (hg19) VCF-style: chr1-22211011-G-A.
Other names: c.1657+10C>T (NM_001291860.2); c.1654+10C>T (NM_005529.6).
Identifiers: ClinVar variation 439805 (VCV000439805.13), dbSNP rs200578340, ClinGen allele CA673359.